The following is an entry in ClinVar:

ClinVar aggregate classification (germline): Uncertain significance (1 of 4 stars; one submission).

gnomAD v4.1: 6 of 1,211,983 alleles (0.0005%); highest among the groups gnomAD compares: Non-Finnish European, 0.00067%; no homozygotes.

Submission:

Labcorp Genetics (formerly Invitae), Labcorp
Classification: Uncertain significance. Last evaluated: 2025-04-10. Review status: criteria provided, single submitter. Criteria: Invitae Variant Classification Sherloc (09022015). Collection method: clinical testing. Allele origin: germline.
Comment: This sequence change replaces leucine, which is neutral and non-polar, with phenylalanine, which is neutral and non-polar, at codon 889 of the AMER1 protein (p.Leu889Phe). The frequency data for this variant in the population databases is considered unreliable, as metrics indicate poor data quality at this position in the gnomAD database. This variant has not been reported in the literature in individuals affected with AMER1-related conditions. An algorithm developed to predict the effect of missense changes on protein structure and function (PolyPhen-2) suggests that this variant is likely to be disruptive. In summary, the available evidence is currently insufficient to determine the role of this variant in disease. Therefore, it has been classified as a Variant of Uncertain Significance.

NM_152424.4(AMER1):c.2665C>T (p.Leu889Phe)

Gene: AMER1 (APC membrane recruitment protein 1; minus strand). Cytogenetic location: Xq11.2.
Variant type: single nucleotide variant.
Coding change: c.2665C>T on transcript NM_152424.4 (MANE Select); coding-DNA position 2665, C replaced by T.
Protein change: p.Leu889Phe; replaces leucine 889 with phenylalanine.
Molecular consequence: missense variant.
Genome position (GRCh38, 1-based): chrX:64,190,622, G>A on the plus strand (C>T on the coding strand, the complement: AMER1 is on the minus strand). VCF-style: chrX-64190622-G-A. GRCh37 (hg19) VCF-style: chrX-63410502-G-A.
Other names: short protein forms L889F.
Identifiers: ClinVar variation 4749220 (VCV004749220.1).
Genomic context (GRCh38, chrX:64,190,622, plus strand): 5'-AATTGGAGAGCTCCATCTCCAGGGTCTCTGCAGTGTCGAGAGAGCGGCTTCTCCTGTTGA[G>A]GGCCATAGCAGCAGGTGGAGGTCGAGGGTGCAGGCCAGGCAGTCCCAAGTATCGAGGGAG-3'
Protein context (NP_689637.3, residues 879-899): HPRPPPAAMA[Leu889Phe]NRRSRSLDTA